The following is an entry in ClinVar:

ClinVar aggregate classification (germline): Uncertain significance (1 of 4 stars; one submission).

gnomAD v4.1: 1 of 1,613,608 alleles (0.000062%); highest among the groups gnomAD compares: Non-Finnish European, 0.000085%; no homozygotes.

Submission:

GeneDx
Classification: Uncertain significance. Last evaluated: 2023-08-07. Review status: criteria provided, single submitter. Criteria: GeneDx Variant Classification Process June 2021. Collection method: clinical testing. Allele origin: germline. Affected: yes.
Comment: Has not been previously published as pathogenic or benign to our knowledge; Not observed at significant frequency in large population cohorts (gnomAD); In silico analysis supports that this missense variant does not alter protein structure/function

NM_014991.6(WDFY3):c.7220C>G (p.Ala2407Gly)

Gene: WDFY3 (WD repeat and FYVE domain containing 3; minus strand). Cytogenetic location: 4q21.23.
Variant type: single nucleotide variant.
Coding change: c.7220C>G on transcript NM_014991.6 (MANE Select); coding-DNA position 7220, C replaced by G.
Protein change: p.Ala2407Gly; replaces alanine 2407 with glycine.
Molecular consequence: missense variant.
Genome position (GRCh38, 1-based): chr4:84,733,383, G>C on the plus strand (C>G on the coding strand, the complement: WDFY3 is on the minus strand). VCF-style: chr4-84733383-G-C. GRCh37 (hg19) VCF-style: chr4-85654536-G-C.
Other names: short protein forms A2407G.
Identifiers: ClinVar variation 3361899 (VCV003361899.1).